The following is an entry in ClinVar:

ClinVar aggregate classification (germline): Conflicting classifications of pathogenicity. Review status: criteria provided, conflicting classifications (1 of 4 stars). 2 submissions from 2 submitters: Likely pathogenic (1); Uncertain significance (1). Last evaluated 2025-11-28.

Conditions:
Aortic valve disease 2 (AOVD2). Identifiers: MedGen C3542024, MONDO:0013902, OMIM 614823.
Autosomal dominant SMAD6-related disorders.

Submissions (2):

Labcorp Genetics (formerly Invitae), Labcorp
Classification: Uncertain significance for Aortic valve disease 2. Last evaluated: 2025-11-28. Review status: criteria provided, single submitter. Criteria: Invitae Variant Classification Sherloc (09022015). Collection method: clinical testing. Allele origin: germline.
Comment: This sequence change creates a premature translational stop signal (p.Val195Alafs*43) in the SMAD6 gene. It is expected to result in an absent or disrupted protein product. However, the current clinical and genetic evidence is not sufficient to establish whether loss-of-function variants in SMAD6 cause disease. This variant is not present in population databases (gnomAD no frequency). This variant has not been reported in the literature in individuals affected with SMAD6-related conditions. ClinVar contains an entry for this variant (Variation ID: 3665771). In summary, the available evidence is currently insufficient to determine the role of this variant in disease. Therefore, it has been classified as a Variant of Uncertain Significance.

Variantyx, Inc.
Classification: Likely pathogenic for Autosomal dominant SMAD6-related disorders. Last evaluated: 2025-07-06. Review status: criteria provided, single submitter. Criteria: Variantyx Assertion Criteria 2022. Collection method: clinical testing. Allele origin: germline. Inheritance: Autosomal dominant inheritance. Affected: no.
Comment: This is a frameshift variant in the SMAD6 gene (OMIM: 602931). Pathogenic variants in this gene have been associated with autosomal dominant SMAD6-related disorders. This variant introduces a premature termination codon in exon 1 out of 4 and is expected to result in loss of function, which is a known disease mechanism for SMAD6 in these disorders (PMID: 21681813, 36414630) (PVS1). This variant has a 0.0047% maximum allele frequency in non-founder control populations (PM2). Incomplete penetrance and variable expressivity have been reported for SMAD6 associated disorders (PMID†31138930, 27606499, 30796334). Based on the current evidence, this variant is classified as likely pathogenic for autosomal dominant SMAD6-related disorders.

Literature cited by the submitters: PubMed 21681813 (cited by Variantyx, Inc.); PubMed 36414630 (cited by Variantyx, Inc.).

NM_005585.5(SMAD6):c.584_596del (p.Val195fs)

Gene: SMAD6 (SMAD family member 6; plus strand). Cytogenetic location: 15q22.31.
Variant type: Deletion.
Coding change: c.584_596del on transcript NM_005585.5 (MANE Select); coding-DNA positions 584 to 596, 13 bases deleted (TGGAGTCCCGCGG).
Protein change: p.Val195fs; shifts the reading frame from valine 195.
Molecular consequence: frameshift variant. On other transcripts: non-coding transcript variant (1).
Genome position (GRCh38, 1-based): chr15:66,703,842-66,703,854, TGGAGTCCCGCGG deleted; deleting any 13 consecutive bases within chr15:66,703,838-66,703,854 gives the same sequence; the c. name uses the placement nearest the transcript's 3' end. VCF-style (leftmost placement, unchanged base first): chr15-66703837-GGCGGTGGAGTCCC-G. GRCh37 (hg19) VCF-style: chr15-66996175-GGCGGTGGAGTCCC-G.
Other names: short protein forms V195fs.
Identifiers: ClinVar variation 3665771 (VCV003665771.3).